The following is an entry in ClinVar:

ClinVar aggregate classification (germline): Conflicting classifications of pathogenicity. Review status: criteria provided, conflicting classifications (1 of 4 stars). 8 submissions from 7 submitters: Uncertain significance (2); Benign (1); Likely benign (4). 1 of the submissions does not count toward it. Last evaluated 2026-02-04.

Conditions:
RPGRIP1-related disorder. Also called: RPGRIP1-related condition.
Cone-rod dystrophy 13 (CORD13). Identifiers: Orphanet 1872, MedGen C2750720, MONDO:0011987, OMIM 608194.
Leber congenital amaurosis 6 (LCA6). Identifiers: Orphanet 65, MedGen C1854260, MONDO:0013446, OMIM 613826.

Allele frequency attached by ClinVar (database versions not stated): 1000 Genomes Project 30x 0.00187; 1000 Genomes Project 0.00200; TOPMed 0.00255; ESP Exome Variant Server 0.00281; gnomAD exomes 0.00325 and 0.00489; gnomAD 0.00402 and 0.00419; ExAC 0.00877.
gnomAD v4.1: 4,844 of 1,458,464 alleles (0.33%); highest among the groups gnomAD compares: Non-Finnish European, 0.29%; 30 homozygotes.

Submissions (8):

Labcorp Genetics (formerly Invitae), Labcorp
Classification: Benign for Leber congenital amaurosis 6; Cone-rod dystrophy 13. Last evaluated: 2026-02-04. Review status: criteria provided, single submitter. Criteria: Invitae Variant Classification Sherloc (09022015). Collection method: clinical testing. Allele origin: germline.

CeGaT Center for Human Genetics Tuebingen
Classification: Likely benign. Last evaluated: 2026-02-01. Review status: criteria provided, single submitter. Criteria: CeGaT Center For Human Genetics Tuebingen Variant Classification Criteria Version 2. Collection method: clinical testing. Allele origin: germline. Affected: yes. Observed: 11 variant alleles.
Comment: RPGRIP1: BS2

Blueprint Genetics
Classification: Likely benign. Last evaluated: 2024-11-25. Review status: criteria provided, single submitter. Criteria: ACMG Guidelines, 2015. Collection method: clinical testing. Allele origin: germline.

ARUP Laboratories, Molecular Genetics and Genomics, ARUP Laboratories
Classification: Uncertain significance. Last evaluated: 2019-07-22. Review status: criteria provided, single submitter. Criteria: ARUP Molecular Germline Variant Investigation Process. Collection method: clinical testing. Allele origin: germline.
Comment: The RPGRIP1 c.930+3A>G variant (rs150107283) is reported in the medical literature in an individual with Leber congenital amaurosis (Astuti 2015). The variant is reported in the ClinVar database (Variation ID: 379572). This variant is found in the Finnish European population with an overall allele frequency of 1.8% (406/22244 alleles, including 8 homozygotes) in the Genome Aggregation Database. This is an intronic variant that is not part of the canonical donor site, the nucleotide at this position is conserved, and computational analyses (Alamut v.2.11) predict that this variant weakens the upstream donor site. Although the allele frequency is relatively high, there is insufficient clinical evidence to classify this variant with certainty. Pathogenic RPGRIP1 variants are causative for autosomal recessive Leber congenital amaurosis (MIM: 613826) or autosomal recessive cone-rod dystrophy (MIM:608194).

Illumina Laboratory Services, Illumina
Classification: Likely benign for Cone-rod dystrophy 13. Last evaluated: 2018-01-13. Review status: criteria provided, single submitter. Criteria: ICSL Variant Classification Criteria 13 December 2019. Collection method: clinical testing. Allele origin: germline.
Comment: This variant was observed in the ICSL laboratory as part of a predisposition screen in an ostensibly healthy population. It had not been previously curated by ICSL or reported in the Human Gene Mutation Database (HGMD: prior to June 1st, 2018), and was therefore a candidate for classification through an automated scoring system. Utilizing variant allele frequency, disease prevalence and penetrance estimates, and inheritance mode, an automated score was calculated to assess if this variant is too frequent to cause the disease. Based on the score and internal cut-off values, a variant classified as likely benign is not then subjected to further curation. The score for this variant resulted in a classification of likely benign for this disease.

Illumina Laboratory Services, Illumina
Classification: Uncertain significance for Leber congenital amaurosis 6. Last evaluated: 2018-01-13. Review status: criteria provided, single submitter. Criteria: ICSL Variant Classification Criteria 13 December 2019. Collection method: clinical testing. Allele origin: germline.

GeneDx
Classification: Likely benign. Last evaluated: 2017-01-11. Review status: criteria provided, single submitter. Criteria: GeneDx Variant Classification (06012015). Collection method: clinical testing. Allele origin: germline. Affected: yes.
Comment: This variant is considered likely benign or benign based on one or more of the following criteria: it is a conservative change, it occurs at a poorly conserved position in the protein, it is predicted to be benign by multiple in silico algorithms, and/or has population frequency not consistent with disease.

PreventionGenetics, part of Exact Sciences
Classification: Likely benign for RPGRIP1-related condition. Last evaluated: 2019-06-21. Review status: no assertion criteria provided. Collection method: clinical testing. Allele origin: germline. Not counted in ClinVar's aggregate classification.
Comment: This variant is classified as likely benign based on ACMG/AMP sequence variant interpretation guidelines (Richards et al. 2015 PMID: 25741868, with internal and published modifications).

NM_020366.4(RPGRIP1):c.930+3A>G

Gene: RPGRIP1 (RPGR interacting protein 1; plus strand). Cytogenetic location: 14q11.2.
Variant type: single nucleotide variant.
Coding change: c.930+3A>G on transcript NM_020366.4 (MANE Select); 3 bases into the intron after coding-DNA position 930, A replaced by G.
Molecular consequence: intron variant.
Genome position (GRCh38, 1-based): chr14:21,310,610, A>G. VCF-style: chr14-21310610-A-G. GRCh37 (hg19) VCF-style: chr14-21778769-A-G.
Identifiers: ClinVar variation 379572 (VCV000379572.63), dbSNP rs150107283, ClinGen allele CA7088791.